The following is an entry in ClinVar:

ClinVar aggregate classification (germline): Likely benign. Review status: criteria provided, multiple submitters, no conflicts (2 of 4 stars). 2 submissions from 2 submitters: Likely benign (2). Last evaluated 2022-08-04.

Conditions:
Inborn genetic diseases. Identifiers: MedGen C0950123, MeSH D030342.

Allele frequency attached by ClinVar (database versions not stated): gnomAD exomes 0.00001.
gnomAD v4.1: 12 of 1,614,120 alleles (0.00074%); highest among the groups gnomAD compares: Non-Finnish European, 0.001%; no homozygotes.

Submissions (2):

Ambry Genetics
Classification: Likely benign for Inborn genetic diseases. Last evaluated: 2022-08-04. Review status: criteria provided, single submitter. Criteria: Ambry Variant Classification Scheme 2023. Collection method: clinical testing. Allele origin: germline.

CeGaT Center for Human Genetics Tuebingen
Classification: Likely benign. Last evaluated: 2022-07-01. Review status: criteria provided, single submitter. Criteria: CeGaT Center For Human Genetics Tuebingen Variant Classification Criteria Version 2. Collection method: clinical testing. Allele origin: germline. Affected: yes. Observed: 1 variant allele.
Comment: LRRK2: BP4, BP7

NM_198578.4(LRRK2):c.138G>C (p.Thr46=)

Gene: LRRK2 (leucine rich repeat kinase 2; plus strand). Cytogenetic location: 12q12.
Variant type: single nucleotide variant.
Coding change: c.138G>C on transcript NM_198578.4 (MANE Select); coding-DNA position 138, G replaced by C.
Protein change: p.Thr46=; no amino-acid change (threonine 46 retained).
Molecular consequence: synonymous variant.
Genome position (GRCh38, 1-based): chr12:40,225,269, G>C. VCF-style: chr12-40225269-G-C. GRCh37 (hg19) VCF-style: chr12-40619071-G-C.
Identifiers: ClinVar variation 1771519 (VCV001771519.26), dbSNP rs1036182021, ClinGen allele CA235343540.